The following is an entry in ClinVar:

ClinVar aggregate classification (germline): Benign (1 of 4 stars; one submission).

Allele frequency attached by ClinVar (database versions not stated): 1000 Genomes Project 30x 0.87097; TOPMed 0.87563; 1000 Genomes Project 0.87656; gnomAD 0.89523.

Submission:

GeneDx
Classification: Benign. Last evaluated: 2018-06-19. Review status: criteria provided, single submitter. Criteria: GeneDx Variant Classification (06012015). Collection method: clinical testing. Allele origin: germline. Affected: yes.
Comment: This variant is considered likely benign or benign based on one or more of the following criteria: it is a conservative change, it occurs at a poorly conserved position in the protein, it is predicted to be benign by multiple in silico algorithms, and/or has population frequency not consistent with disease.

NM_014467.3(SRPX2):c.781+321G>A

Gene: SRPX2 (sushi repeat containing protein X-linked 2; plus strand). Cytogenetic location: Xq22.1.
Variant type: single nucleotide variant.
Coding change: c.781+321G>A on transcript NM_014467.3 (MANE Select); 321 bases into the intron after coding-DNA position 781, G replaced by A.
Molecular consequence: intron variant.
Genome position (GRCh38, 1-based): chrX:100,665,978, G>A. VCF-style: chrX-100665978-G-A. GRCh37 (hg19) VCF-style: chrX-99920975-G-A.
Identifiers: ClinVar variation 667526 (VCV000667526.1), dbSNP rs1419017, ClinGen allele CA333055775.